The following is an entry in ClinVar:

ClinVar aggregate classification (germline): Pathogenic (1 of 4 stars; one submission).

Submission:

Labcorp Genetics (formerly Invitae), Labcorp
Classification: Pathogenic. Last evaluated: 2024-12-10. Review status: criteria provided, single submitter. Criteria: Invitae Variant Classification Sherloc (09022015). Collection method: clinical testing. Allele origin: germline.
Comment: This sequence change creates a premature translational stop signal (p.His1314Thrfs*14) in the ANK1 gene. It is expected to result in an absent or disrupted protein product. Loss-of-function variants in ANK1 are known to be pathogenic (PMID: 8640229). This variant is not present in population databases (gnomAD no frequency). This variant has not been reported in the literature in individuals affected with ANK1-related conditions. For these reasons, this variant has been classified as Pathogenic.

Literature cited by the submitters: PubMed 8640229.

NM_000037.4(ANK1):c.3940del (p.His1314fs)

Gene: ANK1 (ankyrin 1; minus strand). Cytogenetic location: 8p11.21.
Variant type: Deletion.
Coding change: c.3940del on transcript NM_000037.4 (MANE Select); coding-DNA position 3940, one base deleted (C; older notation c.3940delC).
Protein change: p.His1314fs; shifts the reading frame from histidine 1314.
Molecular consequence: frameshift variant.
Genome position (GRCh38, 1-based): chr8:41,690,518, G deleted on the plus strand (C on the coding strand, the reverse complement: ANK1 is on the minus strand); the first of 2 consecutive G bases (chr8:41,690,518-41,690,519); deleting either gives the same sequence. VCF-style (leftmost placement, unchanged base first): chr8-41690517-TG-T. GRCh37 (hg19) VCF-style: chr8-41548035-TG-T.
Other names: c.4063del, p.His1355fs (NM_001142446.2); c.3940del, p.His1314fs (NM_020475.3, NM_020476.3, NM_020477.3); short protein forms H1355fs, H1314fs.
Identifiers: ClinVar variation 3727037 (VCV003727037.2).